The following continues an entry in ClinVar:

NM_000535.7(PMS2):c.697C>T (p.Gln233Ter)

Gene: PMS2. ClinVar aggregate classification (germline): Pathogenic. Pathogenic (1).

Submissions 12 to 19 of 19:

Color Diagnostics, LLC DBA Color Health
Classification: Pathogenic for Hereditary cancer-predisposing syndrome. Last evaluated: 2021-08-04. Review status: criteria provided, single submitter. Criteria: ACMG Guidelines, 2015. Collection method: clinical testing. Allele origin: germline. Not counted in ClinVar's aggregate classification.
Comment: This variant changes 1 nucleotide in exon 6 of the PMS2 gene, creating a premature translation stop signal. This variant is expected to result in an absent or non-functional protein product. To our knowledge, functional studies have not been reported for this variant. This variant has been reported in individuals affected with Lynch syndrome (PMID: 16472587, 19132747, 25512458, 26110232, 27435373, 28874130) and breast/ovarian cancer (PMID: 27153395, 29345684, 33471991; DOI: 10.1101/2021.04.15.21255554). This variant has been identified in 3/282860 chromosomes in the general population by the Genome Aggregation Database (gnomAD). Loss of PMS2 function is a known mechanism of disease. Based on the available evidence, this variant is classified as Pathogenic.

Department of Pathology and Laboratory Medicine, Sinai Health System
Classification: Pathogenic for Mismatch repair cancer syndrome 4. Last evaluated: 2020-02-12. Review status: criteria provided, single submitter. Criteria: ACMG Guidelines, 2015. Collection method: clinical testing. Allele origin: germline. Affected: yes. Not counted in ClinVar's aggregate classification.

Laboratorio de Genetica e Diagnostico Molecular, Hospital Israelita Albert Einstein
Classification: Pathogenic for Lynch syndrome 4. Last evaluated: 2019-12-06. Review status: criteria provided, single submitter. Criteria: ACMG Guidelines, 2015. Collection method: clinical testing. Allele origin: germline. Not counted in ClinVar's aggregate classification.
Comment: ACMG classification criteria: PVS1, PS4, PM2

Laboratory for Molecular Medicine, Mass General Brigham Personalized Medicine
Classification: Pathogenic for Lynch syndrome. Last evaluated: 2019-10-14. Review status: criteria provided, single submitter. Criteria: ACMG Guidelines, 2015. Collection method: clinical testing. Allele origin: germline. Not counted in ClinVar's aggregate classification.
Comment: The p.Gln233X variant in PMS2 has been previously reported in >15 individuals with PMS2-associated cancers (Rossi 2017, van der Klift 2016, Susswein 2016, Suerink 2016, ten Broeke 2015, Niessen 2009) and has been detected in 3/129188 of European chromosomes by gnomAD. This variant was classified as Pathogenic on September 5, 2013 by the ClinGen-approved InSiGHT expert panel (Variation ID 91362). This nonsense variant leads to a premature termination codon at position 233, which is predicted to lead to a truncated or absent protein. Loss of function of the PMS2 gene is an established disease mechanism in autosomal dominant Lynch syndrome. In summary, this variant meets criteria to be classified as pathogenic for autosomal dominant Lynch syndrome. ACMG/AMP Criteria applied: PVS1, PM2, PS4.

Juno Genomics, Hangzhou Juno Genomics, Inc
Classification: Pathogenic for Lynch syndrome 4. Review status: criteria provided, single submitter. Criteria: ACMG Guidelines, 2015. Collection method: clinical testing. Allele origin: germline. Not counted in ClinVar's aggregate classification.
Comment: Absent from controls (or at extremely low frequency if recessive) in Genome Aggregation Database.;Null variant in a gene where loss of function (LOF) is a known mechanism of disease.;Patient's phenotype or family history is highly specific for a disease with a single genetic etiology.

Clinical Genetics Laboratory, Department of Pathology, Netherlands Cancer Institute
Classification: Pathogenic. Review status: no assertion criteria provided. Collection method: clinical testing. Allele origin: germline. Affected: yes. Study: VKGL Data-share Consensus. Not counted in ClinVar's aggregate classification.

Diagnostic Laboratory, Department of Genetics, University Medical Center Groningen
Classification: Pathogenic. Review status: no assertion criteria provided. Collection method: clinical testing. Allele origin: germline. Affected: yes. Study: VKGL Data-share Consensus. Not counted in ClinVar's aggregate classification.

Joint Genome Diagnostic Labs from Nijmegen and Maastricht, Radboudumc and MUMC+
Classification: Pathogenic. Review status: no assertion criteria provided. Collection method: clinical testing. Allele origin: germline. Affected: yes. Study: VKGL Data-share Consensus. Not counted in ClinVar's aggregate classification.

Literature cited by the submitters: PubMed 21376568 (cited by Labcorp Genetics (formerly Invitae), Labcorp); PubMed 24362816 (cited by Labcorp Genetics (formerly Invitae), Labcorp); PubMed 19132747 (cited by 6 submitters); PubMed 20186688 (cited by 6 submitters); PubMed 25512458 (cited by 4 submitters); PubMed 26110232 (cited by 3 submitters); PubMed 27435373 (cited by 4 submitters); PubMed 26681312 (cited by 3 submitters); PubMed 28874130 (cited by Department of Pathology and Laboratory Medicine, Sinai Health System and Laboratory for Molecular Medicine, Mass General Brigham Personalized Medicine).